The following is an entry in ClinVar:

ClinVar aggregate classification (germline): Uncertain significance. Review status: criteria provided, multiple submitters, no conflicts (2 of 4 stars). 2 submissions from 2 submitters: Uncertain significance (2). Last evaluated 2025-04-30.

Conditions:
Ataxia-telangiectasia syndrome (AT). Also called: Ataxia-telangiectasia; LOUIS-BAR SYNDROME; Ataxia-telangiectasia, complementation group D; AT, COMPLEMENTATION GROUP C; ATAXIA-TELANGIECTASIA, COMPLEMENTATION GROUP A; ATAXIA-TELANGIECTASIA, FRESNO VARIANT. Identifiers: Orphanet 100, MedGen C0004135, MONDO:0008840, OMIM 208900.
Hereditary cancer-predisposing syndrome. Also called: Tumor predisposition; Neoplastic Syndromes, Hereditary; Hereditary Cancer Syndrome; Hereditary neoplastic syndrome. Identifiers: Orphanet 140162, MedGen C0027672, MeSH D009386, MONDO:0015356.

Submissions (2):

Ambry Genetics
Classification: Uncertain significance for Hereditary cancer-predisposing syndrome. Last evaluated: 2025-04-30. Review status: criteria provided, single submitter. Criteria: Ambry Variant Classification Scheme 2023. Collection method: clinical testing. Allele origin: germline.
Comment: The p.W2769C variant (also known as c.8307G>T), located in coding exon 56 of the ATM gene, results from a G to T substitution at nucleotide position 8307. The tryptophan at codon 2769 is replaced by cysteine, an amino acid with highly dissimilar properties. This amino acid position is highly conserved in available vertebrate species. In addition, this alteration is predicted to be deleterious by in silico analysis. Based on the available evidence, the clinical significance of this variant remains unclear.

Labcorp Genetics (formerly Invitae), Labcorp
Classification: Uncertain significance for Ataxia-telangiectasia syndrome. Last evaluated: 2023-06-26. Review status: criteria provided, single submitter. Criteria: Invitae Variant Classification Sherloc (09022015). Collection method: clinical testing. Allele origin: germline.
Comment: ClinVar contains an entry for this variant (Variation ID: 1418019). This sequence change replaces tryptophan, which is neutral and slightly polar, with cysteine, which is neutral and slightly polar, at codon 2769 of the ATM protein (p.Trp2769Cys). This variant is not present in population databases (gnomAD no frequency). This variant has not been reported in the literature in individuals affected with ATM-related conditions. An algorithm developed to predict the effect of missense changes on protein structure and function (PolyPhen-2) suggests that this variant is likely to be disruptive. In summary, the available evidence is currently insufficient to determine the role of this variant in disease. Therefore, it has been classified as a Variant of Uncertain Significance.

NM_000051.4(ATM):c.8307G>T (p.Trp2769Cys)

Genes: ATM (ATM serine/threonine kinase; plus strand), C11orf65 (chromosome 11 open reading frame 65; minus strand). Cytogenetic location: 11q22.3.
Variant type: single nucleotide variant.
Coding change: c.8307G>T on transcript NM_000051.4 (MANE Select); coding-DNA position 8307, G replaced by T.
Protein change: p.Trp2769Cys; replaces tryptophan 2769 with cysteine.
Molecular consequence: missense variant. On other transcripts: intron variant (2).
Genome position (GRCh38, 1-based): chr11:108,343,260, G>T. VCF-style: chr11-108343260-G-T. GRCh37 (hg19) VCF-style: chr11-108213987-G-T.
Other names: c.8307G>T, p.Trp2769Cys (NM_001351834.2); c.641-34189C>A (NM_001330368.2); c.695-7968C>A (NM_001351110.2); short protein forms W2769C.
Identifiers: ClinVar variation 1418019 (VCV001418019.7), dbSNP rs778269655, ClinGen allele CA382516355.